The following is an entry in ClinVar:

NM_014956.5(CEP164):c.1810G>A (p.Glu604Lys)

Gene: CEP164 (centrosomal protein 164; plus strand). Cytogenetic location: 11q23.3.
Variant type: single nucleotide variant.
Coding change: c.1810G>A on transcript NM_014956.5 (MANE Select); coding-DNA position 1810, G replaced by A.
Protein change: p.Glu604Lys; replaces glutamic acid 604 with lysine.
Molecular consequence: missense variant.
Genome position (GRCh38, 1-based): chr11:117,387,288, G>A. VCF-style: chr11-117387288-G-A. GRCh37 (hg19) VCF-style: chr11-117258004-G-A.
Other names: c.1819G>A, p.Glu607Lys (NM_001271933.2); short protein forms E607K, E604K.
Identifiers: ClinVar variation 835860 (VCV000835860.9), dbSNP rs187622644, ClinGen allele CA6294872.

ClinVar aggregate classification (germline): Uncertain significance. Review status: criteria provided, multiple submitters, no conflicts (2 of 4 stars). 4 submissions from 4 submitters: Uncertain significance (4). Last evaluated 2026-06-05.

Conditions:
Inborn genetic diseases. Identifiers: MedGen C0950123, MeSH D030342.
CEP164-related disorder. Also called: CEP164-related condition.
Nephronophthisis 15 (NPHP15). Identifiers: Orphanet 3156, MedGen C3541853, MONDO:0013917, OMIM 614845.

Allele frequency attached by ClinVar (database versions not stated): gnomAD 0.00001 and 0.00003; TOPMed 0.00001; ExAC 0.00002; gnomAD exomes 0.00002; 1000 Genomes Project 30x 0.00078; 1000 Genomes Project 0.00080.
gnomAD v4.1: 15 of 1,614,200 alleles (0.00093%); highest among the groups gnomAD compares: East Asian, 0.018%; no homozygotes.

Submissions (4):

PreventionGenetics, part of Exact Sciences
Classification: Uncertain significance for CEP164-related condition. Last evaluated: 2026-06-05. Review status: criteria provided, single submitter. Criteria: ACMG Guidelines, 2015. Collection method: clinical testing. Allele origin: germline.
Comment: The CEP164 c.1810G>A variant is predicted to result in the amino acid substitution p.Glu604Lys. To our knowledge, this variant has not been reported in the literature. This variant is reported in 0.035% of alleles in individuals of East Asian descent in gnomAD. At this time, the clinical significance of this variant is uncertain due to the absence of conclusive functional and genetic evidence.

Labcorp Genetics (formerly Invitae), Labcorp
Classification: Uncertain significance for Nephronophthisis 15. Last evaluated: 2023-10-03. Review status: criteria provided, single submitter. Criteria: Invitae Variant Classification Sherloc (09022015). Collection method: clinical testing. Allele origin: germline.
Comment: This sequence change replaces glutamic acid, which is acidic and polar, with lysine, which is basic and polar, at codon 604 of the CEP164 protein (p.Glu604Lys). This variant is present in population databases (rs187622644, gnomAD 0.03%). This variant has not been reported in the literature in individuals affected with CEP164-related conditions. ClinVar contains an entry for this variant (Variation ID: 835860). Advanced modeling of protein sequence and biophysical properties (such as structural, functional, and spatial information, amino acid conservation, physicochemical variation, residue mobility, and thermodynamic stability) performed at Invitae indicates that this missense variant is not expected to disrupt CEP164 protein function. In summary, the available evidence is currently insufficient to determine the role of this variant in disease. Therefore, it has been classified as a Variant of Uncertain Significance.

Blueprint Genetics
Classification: Uncertain significance. Last evaluated: 2022-01-27. Review status: criteria provided, single submitter. Criteria: ACMG Guidelines, 2015. Collection method: clinical testing. Allele origin: germline.

Ambry Genetics
Classification: Uncertain significance for Inborn genetic diseases. Last evaluated: 2021-07-06. Review status: criteria provided, single submitter. Criteria: Ambry Variant Classification Scheme 2023. Collection method: clinical testing. Allele origin: germline.